The following is an entry in ClinVar:

NM_002609.4(PDGFRB):c.18G>A (p.Ala6=)

Gene: PDGFRB (platelet derived growth factor receptor beta; minus strand). Cytogenetic location: 5q32.
Variant type: single nucleotide variant.
Coding change: c.18G>A on transcript NM_002609.4 (MANE Select); coding-DNA position 18, G replaced by A.
Protein change: p.Ala6=; no amino-acid change (alanine 6 retained).
Molecular consequence: synonymous variant. On other transcripts: 5 prime UTR variant (1), intron variant (1).
Genome position (GRCh38, 1-based): chr5:150,137,030, C>T on the plus strand (G>A on the coding strand, the complement: PDGFRB is on the minus strand). VCF-style: chr5-150137030-C-T. GRCh37 (hg19) VCF-style: chr5-149516593-C-T.
Other names: c.-500G>A (NM_001355017.2); c.-152-1152G>A (NM_001355016.2).
Identifiers: ClinVar variation 754430 (VCV000754430.8), dbSNP rs201570042, ClinGen allele CA3508455.

ClinVar aggregate classification (germline): Likely benign. Review status: criteria provided, multiple submitters, no conflicts (2 of 4 stars). 3 submissions from 3 submitters: Likely benign (3). Last evaluated 2025-08-24.

Conditions:
PDGFRB-related disorder. Also called: PDGFRB-related condition.
Skeletal overgrowth-craniofacial dysmorphism-hyperelastic skin-white matter lesions syndrome. Also called: SKELETAL OVERGROWTH WITH FACIAL DYSMORPHISM, HYPERELASTIC SKIN, WHITE MATTER LESIONS, AND NEUROLOGIC DETERIORATION; Kosaki overgrowth syndrome. Identifiers: Orphanet 477831, MedGen C4225270, MONDO:0014704, OMIM 616592.
Acroosteolysis-keloid-like lesions-premature aging syndrome. Also called: Premature aging syndrome, Penttinen type; Prematurely aged appearance, delayed bone maturation, acro-osteolysis, and brachydactyly; Progeroid syndrome, Penttinen type. Identifiers: Orphanet 363665, MedGen C1866182, MONDO:0011150, OMIM 601812.
Infantile myofibromatosis (IMF). Also called: Congenital generalized fibromatosis. Identifiers: Orphanet 2591, MedGen C0432284, MONDO:0016824.
Basal ganglia calcification, idiopathic, 4 (PFBC4). Also called: PRIMARY FAMILIAL BRAIN CALCIFICATION 4, AUTOSOMAL DOMINANT; Familial Idiopathic Basal Ganglia Calcification 4. Identifiers: Orphanet 1980, MedGen C3554321, MONDO:0014004, OMIM 615007.

Allele frequency attached by ClinVar (database versions not stated): gnomAD 0.00006; TOPMed 0.00007.
gnomAD v4.1: 156 of 1,613,564 alleles (0.0097%); highest among the groups gnomAD compares: Non-Finnish European, 0.012%; no homozygotes.

Submissions (3):

PreventionGenetics, part of Exact Sciences
Classification: Likely benign for PDGFRB-related condition. Last evaluated: 2025-08-24. Review status: criteria provided, single submitter. Criteria: ACMG Guidelines, 2015. Collection method: clinical testing. Allele origin: germline.
Comment: This variant is classified as likely benign based on ACMG/AMP sequence variant interpretation guidelines (Richards et al. 2015 PMID: 25741868, with internal and published modifications).

Labcorp Genetics (formerly Invitae), Labcorp
Classification: Likely benign for Basal ganglia calcification, idiopathic, 4; Skeletal overgrowth-craniofacial dysmorphism-hyperelastic skin-white matter lesions syndrome; Infantile myofibromatosis; Acroosteolysis-keloid-like lesions-premature aging syndrome. Last evaluated: 2024-08-13. Review status: criteria provided, single submitter. Criteria: Invitae Variant Classification Sherloc (09022015). Collection method: clinical testing. Allele origin: germline.

Blueprint Genetics
Classification: Likely benign. Last evaluated: 2024-05-24. Review status: criteria provided, single submitter. Criteria: ACMG Guidelines, 2015. Collection method: clinical testing. Allele origin: germline.